The following is an entry in ClinVar:

NM_138773.4(SLC25A46):c.359G>T (p.Cys120Phe)

Gene: SLC25A46 (solute carrier family 25 member 46; plus strand). Cytogenetic location: 5q22.1.
Variant type: single nucleotide variant.
Coding change: c.359G>T on transcript NM_138773.4 (MANE Select); coding-DNA position 359, G replaced by T.
Protein change: p.Cys120Phe; replaces cysteine 120 with phenylalanine.
Molecular consequence: missense variant. On other transcripts: non-coding transcript variant (1).
Genome position (GRCh38, 1-based): chr5:110,743,762, G>T. VCF-style: chr5-110743762-G-T. GRCh37 (hg19) VCF-style: chr5-110079463-G-T.
Other names: c.359G>T (NM_138773.1); c.359G>T, p.Cys120Phe (NM_001303249.3); c.86G>T, p.Cys29Phe (NM_001303250.3); short protein forms C120F, C29F.
Identifiers: ClinVar variation 653726 (VCV000653726.19), dbSNP rs772344091, ClinGen allele CA3364564.

ClinVar aggregate classification (germline): Uncertain significance. Review status: criteria provided, multiple submitters, no conflicts (2 of 4 stars). 3 submissions from 3 submitters: Uncertain significance (3). Last evaluated 2024-11-01.

Conditions:
Inborn genetic diseases. Identifiers: MedGen C0950123, MeSH D030342.
Neuropathy, hereditary motor and sensory, type 6B (HMSN6B). Also called: HMSN VIB; CHARCOT-MARIE-TOOTH DISEASE, TYPE 6B; Neuropathy, hereditary motor and sensory, type VIB; NEUROPATHY, HEREDITARY MOTOR AND SENSORY, TYPE VIB, WITH OPTIC ATROPHY. Identifiers: MedGen C4225302, MONDO:0014671, OMIM 616505.

Allele frequency attached by ClinVar (database versions not stated): TOPMed 0.00002; ExAC 0.00003; 1000 Genomes Project 30x 0.00016.

Submissions (3):

CeGaT Center for Human Genetics Tuebingen
Classification: Uncertain significance. Last evaluated: 2024-11-01. Review status: criteria provided, single submitter. Criteria: CeGaT Center For Human Genetics Tuebingen Variant Classification Criteria Version 2. Collection method: clinical testing. Allele origin: germline. Affected: yes. Observed: 1 variant allele.
Comment: SLC25A46: PM2

Ambry Genetics
Classification: Uncertain significance for Inborn genetic diseases. Last evaluated: 2023-12-12. Review status: criteria provided, single submitter. Criteria: Ambry Variant Classification Scheme 2023. Collection method: clinical testing. Allele origin: germline.

Labcorp Genetics (formerly Invitae), Labcorp
Classification: Uncertain significance for Neuropathy, hereditary motor and sensory, type 6B. Last evaluated: 2021-09-25. Review status: criteria provided, single submitter. Criteria: Invitae Variant Classification Sherloc (09022015). Collection method: clinical testing. Allele origin: germline.
Comment: This sequence change replaces cysteine with phenylalanine at codon 120 of the SLC25A46 protein (p.Cys120Phe). The cysteine residue is highly conserved and there is a large physicochemical difference between cysteine and phenylalanine. This variant is present in population databases (rs772344091, ExAC 0.005%). This variant has not been reported in the literature in individuals affected with SLC25A46-related conditions. Algorithms developed to predict the effect of missense changes on protein structure and function (SIFT, PolyPhen-2, Align-GVGD) all suggest that this variant is likely to be tolerated. In summary, the available evidence is currently insufficient to determine the role of this variant in disease. Therefore, it has been classified as a Variant of Uncertain Significance.